The following is an entry in ClinVar:

NM_016216.4(DBR1):c.388C>T (p.His130Tyr)

Gene: DBR1 (debranching RNA lariats 1; minus strand). Cytogenetic location: 3q22.3.
Variant type: single nucleotide variant.
Coding change: c.388C>T on transcript NM_016216.4 (MANE Select); coding-DNA position 388, C replaced by T.
Protein change: p.His130Tyr; replaces histidine 130 with tyrosine.
Molecular consequence: missense variant.
Genome position (GRCh38, 1-based): chr3:138,171,648, G>A on the plus strand (C>T on the coding strand, the complement: DBR1 is on the minus strand). VCF-style: chr3-138171648-G-A. GRCh37 (hg19) VCF-style: chr3-137890490-G-A.
Other names: short protein forms H130Y.
Identifiers: ClinVar variation 2115183 (VCV002115183.4), dbSNP rs778276029, ClinGen allele CA2635890.

ClinVar aggregate classification (germline): Uncertain significance (1 of 4 stars; one submission).

Allele frequency attached by ClinVar (database versions not stated): TOPMed below 0.00001; gnomAD exomes 0.00001; ExAC 0.00002.

Submission:

Labcorp Genetics (formerly Invitae), Labcorp
Classification: Uncertain significance. Last evaluated: 2022-09-27. Review status: criteria provided, single submitter. Criteria: Invitae Variant Classification Sherloc (09022015). Collection method: clinical testing. Allele origin: germline.
Comment: This sequence change replaces histidine, which is basic and polar, with tyrosine, which is neutral and polar, at codon 130 of the DBR1 protein (p.His130Tyr). This variant is present in population databases (rs778276029, gnomAD 0.007%). This variant has not been reported in the literature in individuals affected with DBR1-related conditions. Algorithms developed to predict the effect of missense changes on protein structure and function (SIFT, PolyPhen-2, Align-GVGD) all suggest that this variant is likely to be tolerated. In summary, the available evidence is currently insufficient to determine the role of this variant in disease. Therefore, it has been classified as a Variant of Uncertain Significance.